The following is an entry in ClinVar:

ClinVar aggregate classification (germline): Uncertain significance. Review status: criteria provided, multiple submitters, no conflicts (2 of 4 stars). 2 submissions from 2 submitters: Uncertain significance (2). Last evaluated 2023-05-15.

Conditions:
Brachyolmia-amelogenesis imperfecta syndrome. Also called: Tooth agenesis, selective, 6; Dental anomalies and short stature; PLATYSPONDYLY WITH AMELOGENESIS IMPERFECTA. Identifiers: Orphanet 2899, MedGen C1832594, MONDO:0011018, OMIM 601216. Disease mechanism: loss of function.

gnomAD v4.1: 1 of 1,527,164 alleles (0.000065%); no homozygotes.

Submissions (2):

GeneDx
Classification: Uncertain significance. Last evaluated: 2023-05-15. Review status: criteria provided, single submitter. Criteria: GeneDx Variant Classification Process June 2021. Collection method: clinical testing. Allele origin: germline. Affected: yes.
Comment: Not observed at significant frequency in large population cohorts (gnomAD); Nonsense variant predicted to result in protein truncation as the last 47 amino acids are lost, although loss-of-function variants have not been reported downstream of this position in the protein; Has not been previously published as pathogenic or benign to our knowledge

Labcorp Genetics (formerly Invitae), Labcorp
Classification: Uncertain significance for Brachyolmia-amelogenesis imperfecta syndrome. Last evaluated: 2022-09-07. Review status: criteria provided, single submitter. Criteria: Invitae Variant Classification Sherloc (09022015). Collection method: clinical testing. Allele origin: germline.
Comment: Experimental studies and prediction algorithms are not available or were not evaluated, and the functional significance of this variant is currently unknown. Algorithms developed to predict the effect of sequence changes on RNA splicing suggest that this variant may create or strengthen a splice site. In summary, the available evidence is currently insufficient to determine the role of this variant in disease. Therefore, it has been classified as a Variant of Uncertain Significance. This variant has not been reported in the literature in individuals affected with LTBP3-related conditions. This sequence change creates a premature translational stop signal (p.Glu1257*) in the LTBP3 gene. While this is not anticipated to result in nonsense mediated decay, it is expected to disrupt the last 47 amino acid(s) of the LTBP3 protein. This variant is not present in population databases (gnomAD no frequency).

NM_001130144.3(LTBP3):c.3769G>T (p.Glu1257Ter)

Gene: LTBP3 (latent transforming growth factor beta binding protein 3; minus strand). Cytogenetic location: 11q13.1.
Variant type: single nucleotide variant.
Coding change: c.3769G>T on transcript NM_001130144.3 (MANE Select); coding-DNA position 3769, G replaced by T.
Protein change: p.Glu1257Ter; replaces glutamic acid 1257 with a stop codon.
Molecular consequence: nonsense.
Genome position (GRCh38, 1-based): chr11:65,539,223, C>A on the plus strand (G>T on the coding strand, the complement: LTBP3 is on the minus strand). VCF-style: chr11-65539223-C-A. GRCh37 (hg19) VCF-style: chr11-65306694-C-A.
Other names: c.3277G>T, p.Glu1093Ter (NM_001164266.1); c.3628G>T, p.Glu1210Ter (NM_021070.4); c.3769G>T (NM_001130144.2); short protein forms E1093*, E1257*, E1210*.
Identifiers: ClinVar variation 2140058 (VCV002140058.5), dbSNP rs2496110637, ClinGen allele CA381266063.